The following is an entry in ClinVar:

NM_000059.4(BRCA2):c.8002A>T (p.Arg2668Ter)

Gene: BRCA2 (BRCA2 DNA repair associated; plus strand). Cytogenetic location: 13q13.1.
Variant type: single nucleotide variant.
Coding change: c.8002A>T on transcript NM_000059.4 (MANE Select); coding-DNA position 8002, A replaced by T.
Protein change: p.Arg2668Ter; replaces arginine 2668 with a stop codon.
Molecular consequence: nonsense.
Genome position (GRCh38, 1-based): chr13:32,363,204, A>T. VCF-style: chr13-32363204-A-T. GRCh37 (hg19) VCF-style: chr13-32937341-A-T.
Other names: short protein forms R2668*.
Identifiers: ClinVar variation 52468 (VCV000052468.24), dbSNP rs276174900, ClinGen allele CA025396.

ClinVar aggregate classification (germline): Pathogenic. Review status: reviewed by expert panel (3 of 4 stars). 11 submissions from 11 submitters: Pathogenic (1). 10 of the submissions do not count toward it. Last evaluated 2016-09-08.

Conditions:
Hereditary cancer-predisposing syndrome. Also called: Tumor predisposition; Neoplastic Syndromes, Hereditary; Hereditary Cancer Syndrome; Hereditary neoplastic syndrome. Identifiers: Orphanet 140162, MedGen C0027672, MeSH D009386, MONDO:0015356.
Hereditary breast ovarian cancer syndrome. Also called: Hereditary breast and ovarian cancer syndrome (HBOC); Hereditary breast and ovarian cancer syndrome; Hereditary breast and ovarian cancer; Hereditary breast and/or ovarian cancer syndrome; Breast and ovarian cancer; BRCA1- and BRCA2-Associated Hereditary Breast and Ovarian Cancer. Identifiers: Orphanet 145, MedGen C0677776, MeSH D061325, MONDO:0003582. Disease mechanism: loss of function.
Breast-ovarian cancer, familial, susceptibility to, 2 (BROVCA2). Also called: BRCA2 Hereditary Breast and Ovarian Cancer. Identifiers: Orphanet 145, MedGen C2675520, MONDO:0012933, OMIM 612555. Disease mechanism: loss of function.
Breast-ovarian cancer, familial, susceptibility to, 1 (BROVCA1). Also called: OVARIAN CANCER, SUSCEPTIBILITY TO; BRCA1 Hereditary Breast and Ovarian Cancer. Identifiers: Orphanet 145, MedGen C2676676, MONDO:0011450, OMIM 604370. Disease mechanism: loss of function.
Familial cancer of breast. Also called: Hereditary breast cancer; hereditary breast carcinoma; BREAST CANCER, FAMILIAL. Identifiers: Orphanet 227535, MedGen C0346153, MONDO:0016419, OMIM 114480. Disease mechanism: loss of function.

gnomAD v4.1: 1 of 1,613,846 alleles (0.000062%); highest among the groups gnomAD compares: Non-Finnish European, 0.000085%; no homozygotes.

Submissions (11):

Evidence-based Network for the Interpretation of Germline Mutant Alleles (ENIGMA)
Classification: Pathogenic for Breast-ovarian cancer, familial, susceptibility to, 2. Last evaluated: 2016-09-08. Review status: reviewed by expert panel. Criteria: ENIGMA BRCA1/2 Classification Criteria (2015). Collection method: curation. Allele origin: germline.
Comment: Variant allele predicted to encode a truncated non-functional protein.

Color Diagnostics, LLC DBA Color Health
Classification: Pathogenic for Hereditary cancer-predisposing syndrome. Last evaluated: 2024-10-14. Review status: criteria provided, single submitter. Criteria: ACMG Guidelines, 2015. Collection method: clinical testing. Allele origin: germline. Not counted in ClinVar's aggregate classification.
Comment: This variant changes 1 nucleotide in exon 18/27 of the BRCA2 gene, creating a premature translation stop signal. This variant is expected to result in an absent or non-functional protein product. This variant also has been detected in a breast cancer case-control meta-analysis in 1/60466 cases and 0/53461 unaffected individuals (PMID: 33471991; Leiden Open Variation Database DB-ID BRCA2_002370). This variant has not been identified in the general population by the Genome Aggregation Database (gnomAD). Loss of BRCA2 function is a known mechanism of disease. Based on the available evidence, this variant is classified as Pathogenic.

Labcorp Genetics (formerly Invitae), Labcorp
Classification: Pathogenic for Hereditary breast ovarian cancer syndrome. Last evaluated: 2024-09-18. Review status: criteria provided, single submitter. Criteria: Invitae Variant Classification Sherloc (09022015). Collection method: clinical testing. Allele origin: germline. Not counted in ClinVar's aggregate classification.
Comment: This sequence change creates a premature translational stop signal (p.Arg2668*) in the BRCA2 gene. It is expected to result in an absent or disrupted protein product. Loss-of-function variants in BRCA2 are known to be pathogenic (PMID: 20104584). This variant is not present in population databases (gnomAD no frequency). This premature translational stop signal has been observed in individual(s) with breast and/or ovarian cancers (PMID: 16875939, 24156927, 29446198). This variant is also known as 8230A>T. ClinVar contains an entry for this variant (Variation ID: 52468). For these reasons, this variant has been classified as Pathogenic.

Ambry Genetics
Classification: Pathogenic for Hereditary cancer-predisposing syndrome. Last evaluated: 2023-02-14. Review status: criteria provided, single submitter. Criteria: Ambry Variant Classification Scheme 2023. Collection method: clinical testing. Allele origin: germline. Not counted in ClinVar's aggregate classification.
Comment: The p.R2668* pathogenic mutation (also known as c.8002A>T), located in coding exon 17 of the BRCA2 gene, results from an A to T substitution at nucleotide position 8002. This changes the amino acid from an arginine to a stop codon within coding exon 17. This variant is considered to be rare based on population cohorts in the Genome Aggregation Database (gnomAD). In addition to the clinical data presented in the literature, this alteration is expected to result in loss of function by premature protein truncation or nonsense-mediated mRNA decay. As such, this alteration is interpreted as a disease-causing mutation.

Department of Molecular Diagnostics, Institute of Oncology Ljubljana
Classification: Pathogenic for Breast-ovarian cancer, familial, susceptibility to, 1. Last evaluated: 2020-04-02. Review status: criteria provided, single submitter. Criteria: ACMG Guidelines, 2015. Collection method: clinical testing. Allele origin: germline. Affected: yes. Not counted in ClinVar's aggregate classification.

GeneKor MSA
Classification: Pathogenic for Hereditary Breast Carcinoma. Last evaluated: 2020-01-01. Review status: criteria provided, single submitter. Criteria: ACMG Guidelines, 2015. Collection method: clinical testing. Allele origin: germline. Affected: yes. Not counted in ClinVar's aggregate classification.
Comment: This sequence change creates a premature translational stop signal at codon 2668 of the BRCA2 protein. It is expected to result in an absent or disrupted protein product. Truncating variants in BRCA2 gene are known to be pathogenic. The mutation database Clinvar contains entries for this variant (Variation ID: 52468).

GeneDx
Classification: Pathogenic. Last evaluated: 2017-02-03. Review status: criteria provided, single submitter. Criteria: GeneDx Variant Classification (06012015). Collection method: clinical testing. Allele origin: germline. Affected: yes. Not counted in ClinVar's aggregate classification.
Comment: This variant is denoted BRCA2 c.8002A>T at the cDNA level and p.Arg2668Ter (R2668X) at the protein level. The substitution creates a nonsense variant, which changes an Arginine to a premature stop codon (AGA>TGA), and is predicted to cause loss of normal protein function through either protein truncation or nonsense-mediated mRNA decay. This variant, previously reported as BRCA2 8230A>T using alternate nomenclature, has been reported in association with familial breast and/or ovarian cancer (Maillet 2006, Tea 2014), and is considered pathogenic.

Consortium of Investigators of Modifiers of BRCA1/2 (CIMBA), c/o University of Cambridge
Classification: Pathogenic for Breast-ovarian cancer, familial, susceptibility to, 2. Last evaluated: 2015-10-02. Review status: criteria provided, single submitter. Criteria: CIMBA Mutation Classification guidelines May 2016. Collection method: clinical testing. Allele origin: germline. Not counted in ClinVar's aggregate classification.

Department of Pathology and Laboratory Medicine, Sinai Health System
Classification: Pathogenic for Hereditary breast ovarian cancer syndrome. Review status: criteria provided, single submitter. Criteria: ACMG Guidelines, 2015. Collection method: clinical testing. Allele origin: germline. Affected: yes. Study: The Canadian Open Genetics Repository (COGR). Not counted in ClinVar's aggregate classification.

BRCAlab, Lund University
Classification: Pathogenic for Breast-ovarian cancer, familial, susceptibility to, 2. Last evaluated: 2020-03-02. Review status: no assertion criteria provided. Collection method: clinical testing. Allele origin: germline. Affected: yes. Not counted in ClinVar's aggregate classification.

Breast Cancer Information Core (BIC) (BRCA2)
Classification: Pathogenic for Breast-ovarian cancer, familial 2. Last evaluated: 2010-12-17. Review status: no assertion criteria provided. Collection method: clinical testing. Allele origin: germline. Affected: yes. Observed: 1 variant allele. Not counted in ClinVar's aggregate classification.

Literature cited by the submitters: PubMed 16875939 (cited by 3 submitters); PubMed 24156927 (cited by Color Diagnostics, LLC DBA Color Health and Labcorp Genetics (formerly Invitae), Labcorp); PubMed 33471991 (cited by Color Diagnostics, LLC DBA Color Health); PubMed 20104584 (cited by Labcorp Genetics (formerly Invitae), Labcorp); PubMed 29446198 (cited by Labcorp Genetics (formerly Invitae), Labcorp).